The following is an entry in ClinVar:

NM_016188.5(ACTL6B):c.1112C>G (p.Pro371Arg)

Gene: ACTL6B (actin like 6B; minus strand). Cytogenetic location: 7q22.1.
Variant type: single nucleotide variant.
Coding change: c.1112C>G on transcript NM_016188.5 (MANE Select); coding-DNA position 1112, C replaced by G.
Protein change: p.Pro371Arg; replaces proline 371 with arginine.
Molecular consequence: missense variant. On other transcripts: non-coding transcript variant (1).
Genome position (GRCh38, 1-based): chr7:100,646,552, G>C on the plus strand (C>G on the coding strand, the complement: ACTL6B is on the minus strand). VCF-style: chr7-100646552-G-C. GRCh37 (hg19) VCF-style: chr7-100244175-G-C.
Other names: short protein forms P371R.
Identifiers: ClinVar variation 3602977 (VCV003602977.1).
Genomic context (GRCh38, chr7:100,646,552, plus strand): 5'-TCCTGGACAGCTGAGCCAGGACGGGTGTCCAGGGCTCTGGGTCAGGGGTGGGCTCCTACC[G>C]GTGGGGTCTTCTGGGAAAGCTCTCGATTGAGCCTGTCAGTGAAGCCCTGCAGCAGTGTGT-3'
Protein context (NP_057272.1, residues 361-381): LNRELSQKTP[Pro371Arg]SMRLKLIASN

ClinVar aggregate classification (germline): Pathogenic (1 of 4 stars; one submission).

Submission:

GeneDx
Classification: Pathogenic. Last evaluated: 2024-08-05. Review status: criteria provided, single submitter. Criteria: GeneDx Variant Classification Process June 2021. Collection method: clinical testing. Allele origin: germline. Affected: yes.
Comment: Not observed at significant frequency in large population cohorts (gnomAD); In silico analysis supports that this missense variant has a deleterious effect on protein structure/function; Has not been previously published as pathogenic or benign to our knowledge